The following is an entry in ClinVar:

ClinVar aggregate classification (germline): Likely benign. Review status: criteria provided, multiple submitters, no conflicts (2 of 4 stars). 2 submissions from 2 submitters: Likely benign (2). Last evaluated 2025-08-12.

Conditions:
RAI1-related disorder. Also called: RAI1-related condition.

Allele frequency attached by ClinVar (database versions not stated): ESP Exome Variant Server 0.00008.
gnomAD v4.1: 38 of 1,613,366 alleles (0.0024%); highest among the groups gnomAD compares: African/African-American, 0.013%; no homozygotes.

Submissions (2):

Labcorp Genetics (formerly Invitae), Labcorp
Classification: Likely benign. Last evaluated: 2025-08-12. Review status: criteria provided, single submitter. Criteria: Invitae Variant Classification Sherloc (09022015). Collection method: clinical testing. Allele origin: germline.

PreventionGenetics, part of Exact Sciences
Classification: Likely benign for RAI1-related condition. Last evaluated: 2024-11-06. Review status: criteria provided, single submitter. Criteria: ACMG Guidelines, 2015. Collection method: clinical testing. Allele origin: germline.
Comment: This variant is classified as likely benign based on ACMG/AMP sequence variant interpretation guidelines (Richards et al. 2015 PMID: 25741868, with internal and published modifications).

NM_030665.4(RAI1):c.5589C>T (p.Ala1863=)

Gene: RAI1 (retinoic acid induced 1; plus strand). Cytogenetic location: 17p11.2.
Variant type: single nucleotide variant.
Coding change: c.5589C>T on transcript NM_030665.4 (MANE Select); coding-DNA position 5589, C replaced by T.
Protein change: p.Ala1863=; no amino-acid change (alanine 1863 retained).
Molecular consequence: synonymous variant.
Genome position (GRCh38, 1-based): chr17:17,803,779, C>T. VCF-style: chr17-17803779-C-T. GRCh37 (hg19) VCF-style: chr17-17707093-C-T.
Other names: c.5589C>T (NM_030665.3).
Identifiers: ClinVar variation 1589897 (VCV001589897.9), dbSNP rs111696458, ClinGen allele CA8419221.